The following is an entry in ClinVar:

NM_000038.6(APC):c.8140C>G (p.Arg2714Gly)

Gene: APC (APC regulator of Wnt signaling pathway; plus strand). Cytogenetic location: 5q22.2.
Variant type: single nucleotide variant.
Coding change: c.8140C>G on transcript NM_000038.6 (MANE Select); coding-DNA position 8140, C replaced by G.
Protein change: p.Arg2714Gly; replaces arginine 2714 with glycine.
Molecular consequence: missense variant.
Genome position (GRCh38, 1-based): chr5:112,843,734, C>G. VCF-style: chr5-112843734-C-G. GRCh37 (hg19) VCF-style: chr5-112179431-C-G.
Other names: c.8140C>G, p.Arg2714Gly (NM_001127510.3, NM_001354895.2); c.8086C>G, p.Arg2696Gly (NM_001127511.3); c.8194C>G, p.Arg2732Gly (NM_001354896.2); c.8170C>G, p.Arg2724Gly (NM_001354897.2); c.8065C>G, p.Arg2689Gly (NM_001354898.2); c.8056C>G, p.Arg2686Gly (NM_001354899.2); c.8017C>G, p.Arg2673Gly (NM_001354900.2); c.7963C>G, p.Arg2655Gly (NM_001354901.2); and 5 more; short protein forms R2696G, R2714G, R2554G, R2673G, R2724G, R2613G, R2732G, R2431G.
Identifiers: ClinVar variation 537550 (VCV000537550.12), dbSNP rs864622205, ClinGen allele CA16039010.

ClinVar aggregate classification (germline): Uncertain significance. Review status: criteria provided, multiple submitters, no conflicts (2 of 4 stars). 2 submissions from 2 submitters: Uncertain significance (2). Last evaluated 2023-07-08.

Conditions:
Hereditary cancer-predisposing syndrome. Also called: Tumor predisposition; Hereditary Cancer Syndrome; Hereditary neoplastic syndrome; Neoplastic Syndromes, Hereditary. Identifiers: Orphanet 140162, MedGen C0027672, MeSH D009386, MONDO:0015356.
Familial adenomatous polyposis 1 (FAP1). Also called: FAMILIAL ADENOMATOUS POLYPOSIS 1, ATTENUATED; POLYPOSIS, ADENOMATOUS INTESTINAL. Identifiers: MedGen C2713442, MONDO:0021056, OMIM 175100. Disease mechanism: loss of function.

Submissions (2):

Labcorp Genetics (formerly Invitae), Labcorp
Classification: Uncertain significance for Familial adenomatous polyposis 1. Last evaluated: 2023-07-08. Review status: criteria provided, single submitter. Criteria: Invitae Variant Classification Sherloc (09022015). Collection method: clinical testing. Allele origin: germline.
Comment: In summary, the available evidence is currently insufficient to determine the role of this variant in disease. Therefore, it has been classified as a Variant of Uncertain Significance. Advanced modeling of protein sequence and biophysical properties (such as structural, functional, and spatial information, amino acid conservation, physicochemical variation, residue mobility, and thermodynamic stability) performed at Invitae indicates that this missense variant is not expected to disrupt APC protein function. ClinVar contains an entry for this variant (Variation ID: 537550). This variant has not been reported in the literature in individuals affected with APC-related conditions. This variant is not present in population databases (gnomAD no frequency). This sequence change replaces arginine, which is basic and polar, with glycine, which is neutral and non-polar, at codon 2714 of the APC protein (p.Arg2714Gly).

Ambry Genetics
Classification: Uncertain significance for Hereditary cancer-predisposing syndrome. Last evaluated: 2022-05-01. Review status: criteria provided, single submitter. Criteria: Ambry Variant Classification Scheme 2023. Collection method: clinical testing. Allele origin: germline.
Comment: The p.R2714G variant (also known as c.8140C>G), located in coding exon 15 of the APC gene, results from a C to G substitution at nucleotide position 8140. The arginine at codon 2714 is replaced by glycine, an amino acid with dissimilar properties. This amino acid position is conserved. In addition, in silico predictors for this gene do not accurately predict pathogenicity. Since supporting evidence is limited at this time, the clinical significance of this alteration remains unclear.